The following is an entry in ClinVar:

NM_014028.4(OSTM1):c.*1334T>C

Gene: OSTM1 (osteoclastogenesis associated transmembrane protein 1; minus strand). Cytogenetic location: 6q21.
Variant type: single nucleotide variant.
Coding change: c.*1334T>C on transcript NM_014028.4 (MANE Select); 1334 bases downstream of the stop codon, T replaced by C.
Molecular consequence: 3 prime UTR variant.
Genome position (GRCh38, 1-based): chr6:108,043,451, A>G on the plus strand (T>C on the coding strand, the complement: OSTM1 is on the minus strand). VCF-style: chr6-108043451-A-G. GRCh37 (hg19) VCF-style: chr6-108364655-A-G.
Identifiers: ClinVar variation 354965 (VCV000354965.5), dbSNP rs9374008, ClinGen allele CA10621203.

ClinVar aggregate classification (germline): Benign (1 of 4 stars; one submission).

Conditions:
Autosomal recessive osteopetrosis 5. Identifiers: Orphanet 85179, MedGen C1968603, MONDO:0009817, OMIM 259720.

Allele frequency attached by ClinVar (database versions not stated): gnomAD 0.03745 and 0.04052; TOPMed 0.05310; 1000 Genomes Project 0.07568; 1000 Genomes Project 30x 0.07901.

Submission:

Illumina Laboratory Services, Illumina
Classification: Benign for Autosomal recessive osteopetrosis 5. Last evaluated: 2018-01-12. Review status: criteria provided, single submitter. Criteria: ICSL Variant Classification Criteria 13 December 2019. Collection method: clinical testing. Allele origin: germline.
Comment: This variant was observed in the ICSL laboratory as part of a predisposition screen in an ostensibly healthy population. It had not been previously curated by ICSL or reported in the Human Gene Mutation Database (HGMD: prior to June 1st, 2018), and was therefore a candidate for classification through an automated scoring system. Utilizing variant allele frequency, disease prevalence and penetrance estimates, and inheritance mode, an automated score was calculated to assess if this variant is too frequent to cause the disease. Based on the score and internal cut-off values, a variant classified as benign is not then subjected to further curation. The score for this variant resulted in a classification of benign for this disease.